The following is an entry in ClinVar:

ClinVar aggregate classification (germline): Uncertain significance. Review status: criteria provided, multiple submitters, no conflicts (2 of 4 stars). 5 submissions from 5 submitters: Uncertain significance (5). Last evaluated 2025-07-09.

Conditions:
Dilated cardiomyopathy 1DD (CMD1DD). Identifiers: Orphanet 154, MedGen C2750995, MONDO:0013168, OMIM 613172.
Cardiovascular phenotype. Identifiers: MedGen CN230736.

Allele frequency attached by ClinVar (database versions not stated): gnomAD 0.00001; gnomAD exomes 0.00001 and 0.00002; TOPMed 0.00003.
gnomAD v4.1: 40 of 1,551,766 alleles (0.0026%); highest among the groups gnomAD compares: Non-Finnish European, 0.0029%; no homozygotes.

Submissions (5):

Ambry Genetics
Classification: Uncertain significance for Cardiovascular phenotype. Last evaluated: 2025-07-09. Review status: criteria provided, single submitter. Criteria: Ambry Variant Classification Scheme 2023. Collection method: clinical testing. Allele origin: germline.
Comment: The p.A387T variant (also known as c.1159G>A), located in coding exon 2 of the RBM20 gene, results from a G to A substitution at nucleotide position 1159. The alanine at codon 387 is replaced by threonine, an amino acid with similar properties. This amino acid position is conserved. In addition, this alteration is predicted to be tolerated by in silico analysis. Since supporting evidence is limited at this time, the clinical significance of this alteration remains unclear.

Labcorp Genetics (formerly Invitae), Labcorp
Classification: Uncertain significance for Dilated cardiomyopathy 1DD. Last evaluated: 2024-04-13. Review status: criteria provided, single submitter. Criteria: Invitae Variant Classification Sherloc (09022015). Collection method: clinical testing. Allele origin: germline.
Comment: This sequence change replaces alanine, which is neutral and non-polar, with threonine, which is neutral and polar, at codon 387 of the RBM20 protein (p.Ala387Thr). This variant is present in population databases (no rsID available, gnomAD 0.002%). This variant has not been reported in the literature in individuals affected with RBM20-related conditions. Advanced modeling of protein sequence and biophysical properties (such as structural, functional, and spatial information, amino acid conservation, physicochemical variation, residue mobility, and thermodynamic stability) performed at Invitae indicates that this missense variant is not expected to disrupt RBM20 protein function with a negative predictive value of 95%. In summary, the available evidence is currently insufficient to determine the role of this variant in disease. Therefore, it has been classified as a Variant of Uncertain Significance.

GeneDx
Classification: Uncertain significance. Last evaluated: 2022-10-03. Review status: criteria provided, single submitter. Criteria: GeneDx Variant Classification Process June 2021. Collection method: clinical testing. Allele origin: germline. Affected: yes.
Comment: Has not been previously published as pathogenic or benign to our knowledge; Not observed at significant frequency in large population cohorts (gnomAD); In silico analysis supports that this missense variant does not alter protein structure/function

Fulgent Genetics
Classification: Uncertain significance for Dilated cardiomyopathy 1DD. Last evaluated: 2021-09-15. Review status: criteria provided, single submitter. Criteria: ACMG Guidelines, 2015. Collection method: clinical testing. Allele origin: unknown.

Illumina Laboratory Services, Illumina
Classification: Uncertain significance for Dilated cardiomyopathy 1DD. Last evaluated: 2018-01-13. Review status: criteria provided, single submitter. Criteria: ICSL Variant Classification Criteria 13 December 2019. Collection method: clinical testing. Allele origin: germline.

NM_001134363.3(RBM20):c.1159G>A (p.Ala387Thr)

Gene: RBM20 (RNA binding motif protein 20; plus strand). Cytogenetic location: 10q25.2.
Variant type: single nucleotide variant.
Coding change: c.1159G>A on transcript NM_001134363.3 (MANE Select); coding-DNA position 1159, G replaced by A.
Protein change: p.Ala387Thr; replaces alanine 387 with threonine.
Molecular consequence: missense variant.
Genome position (GRCh38, 1-based): chr10:110,781,768, G>A. VCF-style: chr10-110781768-G-A. GRCh37 (hg19) VCF-style: chr10-112541526-G-A.
Other names: c.1159G>A (LRG_382t1); short protein forms A387T.
Identifiers: ClinVar variation 298793 (VCV000298793.16), dbSNP rs886046703, ClinGen allele CA10630984.
Genomic context (GRCh38, chr10:110,781,768, plus strand): 5'-CGGCTTAACAACAGCAAACAGGGTTTTATCGGTGCTGGGCGGAGGGCCAAGGAGGACCAG[G>A]CGTTGCTATCTGTGCGGCCCCTGCAGGCTCATGAGCTGAACGACTTTCACGGTGTGGCCC-3'
Protein context (NP_001127835.2, residues 377-397): GAGRRAKEDQ[Ala387Thr]LLSVRPLQAH